The following is an entry in ClinVar:

ClinVar aggregate classification (germline): Pathogenic (1 of 4 stars; one submission).

Conditions:
Giant axonal neuropathy 1 (GAN1). Also called: GIANT AXONAL NEUROPATHY 1, AUTOSOMAL RECESSIVE; GAN-Related Neurodegeneration. Identifiers: Orphanet 643, MedGen C1850386, MONDO:0009749, OMIM 256850.

gnomAD v4.1: 3 of 1,612,358 alleles (0.00019%); highest among the groups gnomAD compares: Non-Finnish European, 0.00017%; no homozygotes.

Submission:

Labcorp Genetics (formerly Invitae), Labcorp
Classification: Pathogenic for Giant axonal neuropathy 1. Last evaluated: 2023-06-19. Review status: criteria provided, single submitter. Criteria: Invitae Variant Classification Sherloc (09022015). Collection method: clinical testing. Allele origin: germline.
Comment: This sequence change creates a premature translational stop signal (p.Tyr394*) in the GAN gene. It is expected to result in an absent or disrupted protein product. Loss-of-function variants in GAN are known to be pathogenic (PMID: 12655563, 14718689, 23890932). For these reasons, this variant has been classified as Pathogenic. Algorithms developed to predict the effect of sequence changes on RNA splicing suggest that this variant may disrupt the consensus splice site. This variant has not been reported in the literature in individuals affected with GAN-related conditions. This variant is not present in population databases (gnomAD no frequency).

Literature cited by the submitters: PubMed 12655563; PubMed 14718689; PubMed 23890932.

NM_022041.4(GAN):c.1182C>G (p.Tyr394Ter)

Gene: GAN (gigaxonin; plus strand). Cytogenetic location: 16q23.2.
Variant type: single nucleotide variant.
Coding change: c.1182C>G on transcript NM_022041.4 (MANE Select); coding-DNA position 1182, C replaced by G.
Protein change: p.Tyr394Ter; replaces tyrosine 394 with a stop codon.
Molecular consequence: nonsense.
Genome position (GRCh38, 1-based): chr16:81,363,889, C>G. VCF-style: chr16-81363889-C-G. GRCh37 (hg19) VCF-style: chr16-81397494-C-G.
Other names: c.543C>G, p.Tyr181Ter (NM_001377486.1); short protein forms Y181*, Y394*.
Identifiers: ClinVar variation 2991358 (VCV002991358.3), dbSNP rs150102659, ClinGen allele CA396890654.
Genomic context (GRCh38, chr16:81,363,889, plus strand): 5'-GATGCTGTACATTTTGGGAGGAGAGGATGGTGAAAAGGAGCTGATTTCCATGGAGTGTTA[C>G]GATATTTATTCTAAAACCTGGACAAAGCAACCTGATTTGACCATGGTCAGAAAGGTGAGG-3'